The following is an entry in ClinVar:

NM_001318510.2(ACSL4):c.419A>G (p.Tyr140Cys)

Gene: ACSL4 (acyl-CoA synthetase long chain family member 4; minus strand). Cytogenetic location: Xq23.
Variant type: single nucleotide variant.
Coding change: c.419A>G on transcript NM_001318510.2 (MANE Select); coding-DNA position 419, A replaced by G.
Protein change: p.Tyr140Cys; replaces tyrosine 140 with cysteine.
Molecular consequence: missense variant.
Genome position (GRCh38, 1-based): chrX:109,681,363, T>C on the plus strand (A>G on the coding strand, the complement: ACSL4 is on the minus strand). VCF-style: chrX-109681363-T-C. GRCh37 (hg19) VCF-style: chrX-108924592-T-C.
Other names: c.542A>G, p.Tyr181Cys (NM_001318509.2, NM_022977.3); c.419A>G, p.Tyr140Cys (NM_004458.3); short protein forms Y140C, Y181C.
Identifiers: ClinVar variation 1706284 (VCV001706284.3), dbSNP rs2521215093, ClinGen allele CA414218381.

ClinVar aggregate classification (germline): Uncertain significance (1 of 4 stars; one submission).

Submission:

GeneDx
Classification: Uncertain significance. Last evaluated: 2025-04-26. Review status: criteria provided, single submitter. Criteria: GeneDx Variant Classification Process June 2021. Collection method: clinical testing. Allele origin: germline.
Comment: Not observed at significant frequency in large population cohorts (gnomAD); In silico analysis supports that this missense variant has a deleterious effect on protein structure/function; Has not been previously published as pathogenic or benign to our knowledge